The following is an entry in ClinVar:

ClinVar aggregate classification (germline): Uncertain significance. Review status: criteria provided, multiple submitters, no conflicts (2 of 4 stars). 4 submissions from 4 submitters: Uncertain significance (4). Last evaluated 2025-09-09.

Conditions:
ATL1-related disorder. Also called: ATL1-related condition.
Inborn genetic diseases. Identifiers: MedGen C0950123, MeSH D030342.
Hereditary spastic paraplegia 3A (SPG3A). Also called: Spastic paraplegia 3A, autosomal dominant; SPASTIC PARAPLEGIA 3, AUTOSOMAL DOMINANT; FAMILIAL SPASTIC PARAPLEGIA, AUTOSOMAL DOMINANT, 1; SPG3; STRUMPELL DISEASE; Spastic Paraplegia 3A. Identifiers: Orphanet 100984, MedGen C2931355, MONDO:0008437, OMIM 182600.

Allele frequency attached by ClinVar (database versions not stated): gnomAD 0.00001; TOPMed 0.00001; gnomAD exomes 0.00002; ExAC 0.00003.
gnomAD v4.1: 114 of 1,613,678 alleles (0.0071%); highest among the groups gnomAD compares: Non-Finnish European, 0.0095%; no homozygotes.

Submissions (4):

PreventionGenetics, part of Exact Sciences
Classification: Uncertain significance for ATL1-related condition. Last evaluated: 2025-09-09. Review status: criteria provided, single submitter. Criteria: ACMG Guidelines, 2015. Collection method: clinical testing. Allele origin: germline.
Comment: The ATL1 c.953A>T variant is predicted to result in the amino acid substitution p.Asn318Ile. To our knowledge, this variant has not been reported in the literature. This variant is reported in 0.0053% of alleles in individuals of European (non-Finnish) descent in gnomAD. At this time, the clinical significance of this variant is uncertain due to the absence of conclusive functional and genetic evidence.

Labcorp Genetics (formerly Invitae), Labcorp
Classification: Uncertain significance for Hereditary spastic paraplegia 3A. Last evaluated: 2025-04-17. Review status: criteria provided, single submitter. Criteria: Invitae Variant Classification Sherloc (09022015). Collection method: clinical testing. Allele origin: germline.
Comment: This sequence change replaces asparagine, which is neutral and polar, with isoleucine, which is neutral and non-polar, at codon 318 of the ATL1 protein (p.Asn318Ile). This variant is present in population databases (rs770538531, gnomAD 0.005%). This variant has not been reported in the literature in individuals affected with ATL1-related conditions. ClinVar contains an entry for this variant (Variation ID: 471253). Invitae Evidence Modeling of protein sequence and biophysical properties (such as structural, functional, and spatial information, amino acid conservation, physicochemical variation, residue mobility, and thermodynamic stability) has been performed for this missense variant. However, the output from this modeling did not meet the statistical confidence thresholds required to predict the impact of this variant on ATL1 protein function. In summary, the available evidence is currently insufficient to determine the role of this variant in disease. Therefore, it has been classified as a Variant of Uncertain Significance.

GeneDx
Classification: Uncertain significance. Last evaluated: 2022-12-14. Review status: criteria provided, single submitter. Criteria: GeneDx Variant Classification Process June 2021. Collection method: clinical testing. Allele origin: germline. Affected: yes.
Comment: In silico analysis supports that this missense variant has a deleterious effect on protein structure/function; Has not been previously published as pathogenic or benign to our knowledge; This variant is associated with the following publications: (PMID: 23334294)

Ambry Genetics
Classification: Uncertain significance for Inborn genetic diseases. Last evaluated: 2021-09-15. Review status: criteria provided, single submitter. Criteria: Ambry Variant Classification Scheme 2023. Collection method: clinical testing. Allele origin: germline.

NM_015915.5(ATL1):c.953A>T (p.Asn318Ile)

Gene: ATL1 (atlastin GTPase 1; plus strand). Cytogenetic location: 14q22.1.
Variant type: single nucleotide variant.
Coding change: c.953A>T on transcript NM_015915.5 (MANE Select); coding-DNA position 953, A replaced by T.
Protein change: p.Asn318Ile; replaces asparagine 318 with isoleucine.
Molecular consequence: missense variant.
Genome position (GRCh38, 1-based): chr14:50,620,689, A>T. VCF-style: chr14-50620689-A-T. GRCh37 (hg19) VCF-style: chr14-51087407-A-T.
Other names: c.953A>T, p.Asn318Ile (NM_001127713.1, NM_181598.4); short protein forms N318I.
Identifiers: ClinVar variation 471253 (VCV000471253.13), dbSNP rs770538531, ClinGen allele CA7180368.